The following is an entry in ClinVar:

ClinVar aggregate classification (germline): Uncertain significance (1 of 4 stars; one submission).

Submission:

Quest Diagnostics Nichols Institute San Juan Capistrano
Classification: Uncertain significance. Last evaluated: 2023-05-31. Review status: criteria provided, single submitter. Criteria: Quest Diagnostics criteria. Collection method: clinical testing. Allele origin: unknown.
Comment: To the best of our knowledge, this variant has not been reported in the published literature. It also has not been reported in large, multi-ethnic general populations (Genome Aggregation Database). Analysis of this variant using bioinformatics tools for the prediction of the effect of amino acid changes on protein structure and function yielded predictions that this variant is benign. Based on the available information, we are unable to determine the clinical significance of this variant.

NM_000455.5(STK11):c.818C>G (p.Ala273Gly)

Gene: STK11 (serine/threonine kinase 11; plus strand). Cytogenetic location: 19p13.3.
Variant type: single nucleotide variant.
Coding change: c.818C>G on transcript NM_000455.5 (MANE Select); coding-DNA position 818, C replaced by G.
Protein change: p.Ala273Gly; replaces alanine 273 with glycine.
Molecular consequence: missense variant. On other transcripts: non-coding transcript variant (1).
Genome position (GRCh38, 1-based): chr19:1,221,296, C>G. VCF-style: chr19-1221296-C-G. GRCh37 (hg19) VCF-style: chr19-1221295-C-G.
Other names: c.818C>G, p.Ala273Gly (NM_001407255.1); short protein forms A273G.
Identifiers: ClinVar variation 2682089 (VCV002682089.1), dbSNP rs761164605, ClinGen allele CA402950626.